The following is an entry in ClinVar:

NM_005120.3(MED12):c.3699G>A (p.Ala1233=)

Gene: MED12 (mediator complex subunit 12; plus strand). Cytogenetic location: Xq13.1.
Variant type: single nucleotide variant.
Coding change: c.3699G>A on transcript NM_005120.3 (MANE Select); coding-DNA position 3699, G replaced by A.
Protein change: p.Ala1233=; no amino-acid change (alanine 1233 retained).
Molecular consequence: synonymous variant.
Genome position (GRCh38, 1-based): chrX:71,129,687, G>A. VCF-style: chrX-71129687-G-A. GRCh37 (hg19) VCF-style: chrX-70349537-G-A.
Identifiers: ClinVar variation 381901 (VCV000381901.43), dbSNP rs184162709, ClinGen allele CA10444544.

ClinVar aggregate classification (germline): Benign/Likely benign. Review status: criteria provided, multiple submitters, no conflicts (2 of 4 stars). 7 submissions from 7 submitters: Benign (3); Likely benign (3). 1 of the submissions does not count toward it. Last evaluated 2026-02-03.

Conditions:
MED12-Related Disorders. Also called: MED12-related condition; MED12-related disorder. Identifiers: MedGen CN381102.
Familial thoracic aortic aneurysm and aortic dissection (TAAD). Also called: Thoracic aortic aneurysms and dissections. Identifiers: Orphanet 91387, MedGen C4707243, MONDO:0019625.
FG syndrome (FGS). Identifiers: MedGen C0220769, MONDO:0002010.

Allele frequency attached by ClinVar (database versions not stated): gnomAD exomes 0.00011 and 0.00023; ExAC 0.00089; ESP Exome Variant Server 0.00128; gnomAD 0.00131 and 0.00133; TOPMed 0.00156; 1000 Genomes Project 0.00238; 1000 Genomes Project 30x 0.00250.
gnomAD v4.1: 289 of 1,184,566 alleles (0.024%); highest among the groups gnomAD compares: African/African-American, 0.41%; no homozygotes.

Submissions (7):

Labcorp Genetics (formerly Invitae), Labcorp
Classification: Benign for FG syndrome. Last evaluated: 2026-02-03. Review status: criteria provided, single submitter. Criteria: Invitae Variant Classification Sherloc (09022015). Collection method: clinical testing. Allele origin: germline.

Blueprint Genetics
Classification: Likely benign. Last evaluated: 2024-09-23. Review status: criteria provided, single submitter. Criteria: ACMG Guidelines, 2015. Collection method: clinical testing. Allele origin: germline.

CeGaT Center for Human Genetics Tuebingen
Classification: Likely benign. Last evaluated: 2022-05-01. Review status: criteria provided, single submitter. Criteria: CeGaT Center For Human Genetics Tuebingen Variant Classification Criteria Version 2. Collection method: clinical testing. Allele origin: germline. Affected: yes. Observed: 2 variant alleles.
Comment: MED12: BP4, BP7

GeneDx
Classification: Benign. Last evaluated: 2019-05-01. Review status: criteria provided, single submitter. Criteria: GeneDx Variant Classification Process June 2021. Collection method: clinical testing. Allele origin: germline. Affected: yes.

Ambry Genetics
Classification: Likely benign for Familial thoracic aortic aneurysm and aortic dissection. Last evaluated: 2015-07-11. Review status: criteria provided, single submitter. Criteria: Ambry Variant Classification Scheme 2023. Collection method: clinical testing. Allele origin: germline.

Breakthrough Genomics
Classification: Benign. Review status: criteria provided, single submitter. Criteria: ACMG Guidelines, 2015. Collection method: not provided. Allele origin: germline. Inheritance: X-linked inheritance. Affected: yes.

PreventionGenetics, part of Exact Sciences
Classification: Benign for MED12-related condition. Last evaluated: 2020-08-28. Review status: no assertion criteria provided. Collection method: clinical testing. Allele origin: germline. Not counted in ClinVar's aggregate classification.
Comment: This variant is classified as benign based on ACMG/AMP sequence variant interpretation guidelines (Richards et al. 2015 PMID: 25741868, with internal and published modifications).